The following is an entry in ClinVar:

ClinVar aggregate classification (germline): Uncertain significance (1 of 4 stars; one submission).

Conditions:
Fanconi anemia complementation group E (FANCE). Also called: FANCE-Related Fanconi Anemia. Identifiers: Orphanet 84, MedGen C3160739, MONDO:0010953, OMIM 600901.

Allele frequency attached by ClinVar (database versions not stated): gnomAD exomes below 0.00001; TOPMed below 0.00001; gnomAD 0.00001.
gnomAD v4.1: 2 of 1,613,978 alleles (0.00012%); highest among the groups gnomAD compares: East Asian, 0.0022%; no homozygotes.

Submission:

Labcorp Genetics (formerly Invitae), Labcorp
Classification: Uncertain significance for Fanconi anemia complementation group E. Last evaluated: 2025-07-19. Review status: criteria provided, single submitter. Criteria: Invitae Variant Classification Sherloc (09022015). Collection method: clinical testing. Allele origin: germline.
Comment: This sequence change replaces leucine, which is neutral and non-polar, with phenylalanine, which is neutral and non-polar, at codon 452 of the FANCE protein (p.Leu452Phe). This variant is not present in population databases (gnomAD no frequency). This variant has not been reported in the literature in individuals affected with FANCE-related conditions. ClinVar contains an entry for this variant (Variation ID: 852642). Invitae Evidence Modeling of protein sequence and biophysical properties (such as structural, functional, and spatial information, amino acid conservation, physicochemical variation, residue mobility, and thermodynamic stability) indicates that this missense variant is expected to disrupt FANCE protein function with a positive predictive value of 80%. In summary, the available evidence is currently insufficient to determine the role of this variant in disease. Therefore, it has been classified as a Variant of Uncertain Significance.

NM_021922.3(FANCE):c.1356G>C (p.Leu452Phe)

Gene: FANCE (FA complementation group E; plus strand). Cytogenetic location: 6p21.31.
Variant type: single nucleotide variant.
Coding change: c.1356G>C on transcript NM_021922.3 (MANE Select); coding-DNA position 1356, G replaced by C.
Protein change: p.Leu452Phe; replaces leucine 452 with phenylalanine.
Molecular consequence: missense variant.
Genome position (GRCh38, 1-based): chr6:35,460,591, G>C. VCF-style: chr6-35460591-G-C. GRCh37 (hg19) VCF-style: chr6-35428368-G-C.
Other names: short protein forms L452F.
Identifiers: ClinVar variation 852642 (VCV000852642.8), dbSNP rs1488514330, ClinGen allele CA363777762.